The following is an entry in ClinVar:

ClinVar aggregate classification (germline): Uncertain significance. Review status: criteria provided, multiple submitters, no conflicts (2 of 4 stars). 2 submissions from 2 submitters: Uncertain significance (2). Last evaluated 2026-07-15.

Conditions:
NEFL-related disorder. Also called: NEFL-related condition.
Charcot-Marie-Tooth disease type 2E (CMT2E). Also called: CHARCOT-MARIE-TOOTH DISEASE, AXONAL, TYPE 2E; CHARCOT-MARIE-TOOTH NEUROPATHY, TYPE 2E. Identifiers: Orphanet 99939, MedGen C1843225, MONDO:0011894, OMIM 607684.

Submissions (2):

PreventionGenetics, part of Exact Sciences
Classification: Uncertain significance for NEFL-related condition. Last evaluated: 2026-07-15. Review status: criteria provided, single submitter. Criteria: ACMG Guidelines, 2015. Collection method: clinical testing. Allele origin: germline.
Comment: The NEFL c.1532_1537dup6 variant is predicted to result in an in-frame duplication (p.Gly511_Gly512dup). This variant has been reported as a variant of uncertain significance in two individuals from a large cohort study of Charcot-Marie-Tooth disease; however, additional evidence was not provided (Suppl. Table 2, Volodarsky et al. 2021. PubMed ID: 32376792). This variant is reported in 0.0027% of alleles in individuals of European (Non-Finnish) descent in gnomAD. At this time, the clinical significance of this variant is uncertain due to the absence of conclusive functional and genetic evidence.

Labcorp Genetics (formerly Invitae), Labcorp
Classification: Uncertain significance for Charcot-Marie-Tooth disease type 2E. Last evaluated: 2025-07-08. Review status: criteria provided, single submitter. Criteria: Invitae Variant Classification Sherloc (09022015). Collection method: clinical testing. Allele origin: germline.
Comment: This variant, c.1532_1537dup, results in the insertion of 2 amino acid(s) of the NEFL protein (p.Gly511_Gly512dup), but otherwise preserves the integrity of the reading frame. This variant is present in population databases (rs777344234, gnomAD 0.003%). This variant has been observed in individual(s) with Charcot-Marie-Tooth disease (PMID: 32376792). ClinVar contains an entry for this variant (Variation ID: 855560). Experimental studies and prediction algorithms are not available or were not evaluated, and the functional significance of this variant is currently unknown. In summary, the available evidence is currently insufficient to determine the role of this variant in disease. Therefore, it has been classified as a Variant of Uncertain Significance.

Literature cited by the submitters: PubMed 32376792 (cited by Labcorp Genetics (formerly Invitae), Labcorp).

NM_006158.5(NEFL):c.1532_1537dup (p.Gly511_Gly512dup)

Gene: NEFL (neurofilament light chain; minus strand). Cytogenetic location: 8p21.2.
Variant type: Duplication.
Coding change: c.1532_1537dup on transcript NM_006158.5 (MANE Select); coding-DNA positions 1532 to 1537, 6 bases duplicated (GAGGTG; older notation c.1532_1537dupGAGGTG).
Protein change: p.Gly511_Gly512dup.
Molecular consequence: inframe insertion.
Genome position (GRCh38, 1-based): chr8:24,952,905-24,952,910, CACCTC duplicated on the plus strand (GAGGTG on the coding strand, the reverse complement: NEFL is on the minus strand); duplicating any 6 consecutive bases within chr8:24,952,905-24,952,911 gives the same sequence; the c. name uses the placement nearest the transcript's 3' end. VCF-style (leftmost placement, unchanged base first): chr8-24952904-T-TCACCTC. GRCh37 (hg19) VCF-style: chr8-24810417-T-TCACCTC.
Other names: c.1532_1537dup6 (NM_006158.4).
Identifiers: ClinVar variation 855560 (VCV000855560.6), dbSNP rs777344234, ClinGen allele CA4681238.